The following is an entry in ClinVar:

NM_001018111.3(PODXL):c.294A>T (p.Gln98His)

Gene: PODXL (podocalyxin like; minus strand). Cytogenetic location: 7q32.3.
Variant type: single nucleotide variant.
Coding change: c.294A>T on transcript NM_001018111.3 (MANE Select); coding-DNA position 294, A replaced by T.
Protein change: p.Gln98His; replaces glutamine 98 with histidine.
Molecular consequence: missense variant.
Genome position (GRCh38, 1-based): chr7:131,511,240, T>A on the plus strand (A>T on the coding strand, the complement: PODXL is on the minus strand). VCF-style: chr7-131511240-T-A. GRCh37 (hg19) VCF-style: chr7-131195999-T-A.
Other names: c.294A>T, p.Gln98His (NM_005397.4); short protein forms Q98H.
Identifiers: ClinVar variation 1981909 (VCV001981909.4), dbSNP rs146510439, ClinGen allele CA4488733.

ClinVar aggregate classification (germline): Uncertain significance (1 of 4 stars; one submission).

Allele frequency attached by ClinVar (database versions not stated): gnomAD exomes below 0.00001; ExAC 0.00003; gnomAD 0.00007; ESP Exome Variant Server 0.00008; TOPMed 0.00009; 1000 Genomes Project 0.00040; 1000 Genomes Project 30x 0.00062.
gnomAD v4.1: 14 of 1,614,116 alleles (0.00087%); highest among the groups gnomAD compares: African/African-American, 0.019%; 1 homozygote.

Submission:

Labcorp Genetics (formerly Invitae), Labcorp
Classification: Uncertain significance. Last evaluated: 2022-09-28. Review status: criteria provided, single submitter. Criteria: Invitae Variant Classification Sherloc (09022015). Collection method: clinical testing. Allele origin: germline.
Comment: In summary, the available evidence is currently insufficient to determine the role of this variant in disease. Therefore, it has been classified as a Variant of Uncertain Significance. Algorithms developed to predict the effect of missense changes on protein structure and function (SIFT, PolyPhen-2, Align-GVGD) all suggest that this variant is likely to be tolerated. This variant has not been reported in the literature in individuals affected with PODXL-related conditions. This variant is present in population databases (rs146510439, gnomAD 0.02%). This sequence change replaces glutamine, which is neutral and polar, with histidine, which is basic and polar, at codon 98 of the PODXL protein (p.Gln98His).